The following is an entry in ClinVar:

ClinVar aggregate classification (germline): Uncertain significance (1 of 4 stars; one submission).

Allele frequency attached by ClinVar (database versions not stated): gnomAD exomes below 0.00001; TOPMed 0.00001.
gnomAD v4.1: 2 of 1,549,028 alleles (0.00013%); highest among the groups gnomAD compares: African/African-American, 0.0014%; no homozygotes.

Submission:

GeneDx
Classification: Uncertain significance. Last evaluated: 2022-05-05. Review status: criteria provided, single submitter. Criteria: GeneDx Variant Classification Process June 2021. Collection method: clinical testing. Allele origin: germline. Affected: yes.
Comment: Not observed at significant frequency in large population cohorts (gnomAD); In silico analysis supports that this missense variant has a deleterious effect on protein structure/function; Has not been previously published as pathogenic or benign to our knowledge

NM_022552.5(DNMT3A):c.206C>T (p.Pro69Leu)

Gene: DNMT3A (DNA methyltransferase 3 alpha; minus strand). Cytogenetic location: 2p23.3.
Variant type: single nucleotide variant.
Coding change: c.206C>T on transcript NM_022552.5 (MANE Select); coding-DNA position 206, C replaced by T.
Protein change: p.Pro69Leu; replaces proline 69 with leucine.
Molecular consequence: missense variant. On other transcripts: non-coding transcript variant (1).
Genome position (GRCh38, 1-based): chr2:25,282,683, G>A on the plus strand (C>T on the coding strand, the complement: DNMT3A is on the minus strand). VCF-style: chr2-25282683-G-A. GRCh37 (hg19) VCF-style: chr2-25505552-G-A.
Other names: c.206C>T, p.Pro69Leu (NM_001320892.2, NM_175629.2, NM_175630.1); short protein forms P69L.
Identifiers: ClinVar variation 1722829 (VCV001722829.2), dbSNP rs2031976051, ClinGen allele CA346084148.
Genomic context (GRCh38, chr2:25,282,683, plus strand): 5'-GGTAATAGCTCTGAGGCGCCTGAGTCCTGGGCCATGGATGGGGACTTGGAGATCACCGCA[G>A]GGTCCTTTGGCGTGTCACCGCTTTCCACCTGCAAATGTAAGAAAGATACACAAGAGGAGG-3'
Protein context (NP_072046.2, residues 59-79): PVESGDTPKD[Pro69Leu]AVISKSPSMA